The following is an entry in ClinVar:

NM_022098.4(XPNPEP3):c.271A>G (p.Ser91Gly)

Gene: XPNPEP3 (X-prolyl aminopeptidase 3; plus strand). Cytogenetic location: 22q13.2.
Variant type: single nucleotide variant.
Coding change: c.271A>G on transcript NM_022098.4 (MANE Select); coding-DNA position 271, A replaced by G.
Protein change: p.Ser91Gly; replaces serine 91 with glycine.
Molecular consequence: missense variant.
Genome position (GRCh38, 1-based): chr22:40,881,859, A>G. VCF-style: chr22-40881859-A-G. GRCh37 (hg19) VCF-style: chr22-41277863-A-G.
Other names: short protein forms S91G.
Identifiers: ClinVar variation 1398456 (VCV001398456.6), dbSNP rs761097517, ClinGen allele CA10251611.

ClinVar aggregate classification (germline): Uncertain significance (1 of 4 stars; one submission).

Conditions:
Nephronophthisis-like nephropathy 1 (NPHPL1). Identifiers: Orphanet 655, MedGen C3150419, MONDO:0013163, OMIM 613159.

Allele frequency attached by ClinVar (database versions not stated): TOPMed below 0.00001; ExAC 0.00001; gnomAD 0.00001; gnomAD exomes 0.00001 and 0.00002.
gnomAD v4.1: 4 of 1,614,090 alleles (0.00025%); highest among the groups gnomAD compares: East Asian, 0.0089%; no homozygotes.

Submission:

Labcorp Genetics (formerly Invitae), Labcorp
Classification: Uncertain significance for Nephronophthisis-like nephropathy 1. Last evaluated: 2022-08-16. Review status: criteria provided, single submitter. Criteria: Invitae Variant Classification Sherloc (09022015). Collection method: clinical testing. Allele origin: germline.
Comment: This sequence change replaces serine, which is neutral and polar, with glycine, which is neutral and non-polar, at codon 91 of the XPNPEP3 protein (p.Ser91Gly). This variant is present in population databases (rs761097517, gnomAD 0.02%). This variant has not been reported in the literature in individuals affected with XPNPEP3-related conditions. ClinVar contains an entry for this variant (Variation ID: 1398456). Algorithms developed to predict the effect of missense changes on protein structure and function output the following: SIFT: "Tolerated"; PolyPhen-2: "Benign"; Align-GVGD: "Class C0". The glycine amino acid residue is found in multiple mammalian species, which suggests that this missense change does not adversely affect protein function. In summary, the available evidence is currently insufficient to determine the role of this variant in disease. Therefore, it has been classified as a Variant of Uncertain Significance.